The following is an entry in ClinVar:

ClinVar aggregate classification (germline): Conflicting classifications of pathogenicity. Review status: criteria provided, conflicting classifications (1 of 4 stars). 2 submissions from 2 submitters: Likely pathogenic (1); Uncertain significance (1). Last evaluated 2026-08-19.

Conditions:
Niemann-Pick disease, type B. Also called: Chronic Visceral ASMD (Niemann-Pick Disease Type B; NPD-B). Identifiers: Orphanet 77293, MedGen C0268243, MONDO:0011871, OMIM 607616. Disease mechanism: loss of function.
Niemann-Pick disease, type A. Also called: Infantile Neurovisceral ASMD (Niemann-Pick Disease Type A; NPD-A); SPHINGOMYELIN LIPIDOSIS; SPHINGOMYELINASE DEFICIENCY. Identifiers: Orphanet 77292, MedGen C0268242, MONDO:0009756, OMIM 257200. Disease mechanism: loss of function.
Acid sphingomyelinase deficiency. Identifiers: Orphanet 618899, MedGen C5243927, MONDO:0100464.

Submissions (2):

Myriad Genetics, Inc.
Classification: Uncertain significance for Acid sphingomyelinase deficiency. Last evaluated: 2026-08-19. Review status: criteria provided, single submitter. Criteria: Myriad Autosomal Dominant, Autosomal Recessive and X-Linked Classification Criteria (2023). Collection method: clinical testing. Allele origin: unknown.
Comment: NM_000543.4(SMPD1):c.961C>T(H321Y) is a missense variant classified as a variant of uncertain significance in the context of Niemann-Pick disease, SMPD1-related. H321Y has been observed in a case with relevant disease (PMID: 12556236). Relevant functional assessments of this variant are not available in the literature. H321Y has not been observed in referenced population frequency databases. In summary, there is insufficient evidence to classify NM_000543.4(SMPD1):c.961C>T(H321Y) as pathogenic or benign. Please note: this variant was assessed in the context of healthy population screening.

Labcorp Genetics (formerly Invitae), Labcorp
Classification: Likely pathogenic for Niemann-Pick disease, type B; Niemann-Pick disease, type A. Last evaluated: 2021-05-21. Review status: criteria provided, single submitter. Criteria: Invitae Variant Classification Sherloc (09022015). Collection method: clinical testing. Allele origin: germline.
Comment: This sequence change replaces histidine with tyrosine at codon 321 of the SMPD1 protein (p.His321Tyr). The histidine residue is highly conserved and there is a moderate physicochemical difference between histidine and tyrosine. In summary, the currently available evidence indicates that the variant is pathogenic, but additional data are needed to prove that conclusively. Therefore, this variant has been classified as Likely Pathogenic. Advanced modeling of protein sequence and biophysical properties (such as structural, functional, and spatial information, amino acid conservation, physicochemical variation, residue mobility, and thermodynamic stability) performed at Invitae indicates that this missense variant is expected to disrupt SMPD1 protein function. This variant has been observed in individual(s) with clinical features of Niemann-Pick type A (PMID: 12556236). This variant is not present in population databases (ExAC no frequency).

Literature cited by the submitters: PubMed 12556236 (cited by Myriad Genetics, Inc. and Labcorp Genetics (formerly Invitae), Labcorp).

NM_000543.5(SMPD1):c.961C>T (p.His321Tyr)

Gene: SMPD1 (sphingomyelin phosphodiesterase 1; plus strand). Cytogenetic location: 11p15.4.
Variant type: single nucleotide variant.
Coding change: c.961C>T on transcript NM_000543.5 (MANE Select); coding-DNA position 961, C replaced by T.
Protein change: p.His321Tyr; replaces histidine 321 with tyrosine.
Molecular consequence: missense variant. On other transcripts: 5 prime UTR variant (1), non-coding transcript variant (1).
Genome position (GRCh38, 1-based): chr11:6,392,026, C>T. VCF-style: chr11-6392026-C-T. GRCh37 (hg19) VCF-style: chr11-6413256-C-T.
Other names: c.958C>T, p.His320Tyr (NM_001007593.3); c.961C>T, p.His321Tyr (NM_001318087.2, NM_001365135.2); c.-1C>T (NM_001318088.2); short protein forms H321Y, H320Y.
Identifiers: ClinVar variation 1472402 (VCV001472402.9), dbSNP rs2134012749, ClinGen allele CA379371396.